The following is an entry in ClinVar:

NM_000062.2(SERPING1):c.-104C>T

Gene: SERPING1 (serpin family G member 1; plus strand). Cytogenetic location: 11q12.1.
Variant type: single nucleotide variant.
Coding change: c.-104C>T on transcript NM_000062.2; 104 bases upstream of the start codon, C replaced by T.
Genome position (GRCh38, 1-based): chr11:57,597,641, C>T. VCF-style: chr11-57597641-C-T. GRCh37 (hg19) VCF-style: chr11-57365114-C-T.
Identifiers: ClinVar variation 3053304 (VCV003053304.2), dbSNP rs1050320465, ClinGen allele CA223053299.
Genomic context (GRCh38, chr11:57,597,641, plus strand): 5'-TCAATCTTCCTTAATTTGTAACTGGGCAGTGTCCCGGGCCAGCCAATAGCTAAGACTGCC[C>T]CCCCCGCACCCCACCCTCCCTGACCCTGGGGGACTCTCTACTCAGTCTGCACTGGAGCTG-3'

ClinVar aggregate classification (germline): Likely benign (0 of 4 stars; one submission).

Conditions:
SERPING1-related disorder. Also called: SERPING1-related condition.

Allele frequency attached by ClinVar (database versions not stated): gnomAD 0.00021; TOPMed 0.00022.

Submission:

PreventionGenetics, part of Exact Sciences
Classification: Likely benign for SERPING1-related condition. Last evaluated: 2019-08-28. Review status: no assertion criteria provided. Collection method: clinical testing. Allele origin: germline.
Comment: This variant is classified as likely benign based on ACMG/AMP sequence variant interpretation guidelines (Richards et al. 2015 PMID: 25741868, with internal and published modifications).